The following is an entry in ClinVar:

NM_001384140.1(PCDH15):c.3144del (p.Ala1049fs)

Gene: PCDH15 (protocadherin related 15; minus strand). Cytogenetic location: 10q21.1.
Variant type: Deletion.
Coding change: c.3144del on transcript NM_001384140.1 (MANE Select); coding-DNA position 3144, one base deleted (T; older notation c.3144delT).
Protein change: p.Ala1049fs; shifts the reading frame from alanine 1049.
Molecular consequence: frameshift variant.
Genome position (GRCh38, 1-based): chr10:53,940,954, A deleted on the plus strand (T on the coding strand, the reverse complement: PCDH15 is on the minus strand); the first of 2 consecutive A bases (chr10:53,940,954-53,940,955); deleting either gives the same sequence. VCF-style (leftmost placement, unchanged base first): chr10-53940953-CA-C. GRCh37 (hg19) VCF-style: chr10-55700713-CA-C.
Other names: c.3159del, p.Ala1054fs (NM_001142763.2, NM_001142771.2); c.3144del, p.Ala1049fs (NM_001142764.2, NM_001142766.2, NM_001142770.3 and 4 more transcripts); c.2931del, p.Ala978fs (NM_001142765.2); c.3033del, p.Ala1012fs (NM_001142767.2); c.3078del, p.Ala1027fs (NM_001142768.2, NM_001142773.2, NM_001354404.2); c.3179delT, p.Ala1061Profs (NM_001142769.4); c.3165del, p.Ala1056fs (NM_001354411.2); short protein forms A1012fs, A1027fs, A1049fs, A1054fs, A1056fs, A1061fs, A978fs.
Identifiers: ClinVar variation 5013280 (VCV005013280.1).

ClinVar aggregate classification (germline): Pathogenic (1 of 4 stars; one submission).

Conditions:
Usher syndrome type 1F (USH1F). Also called: USHER SYNDROME, TYPE IF. Identifiers: Orphanet 231169, Orphanet 886, MedGen C1865885, MONDO:0011186, OMIM 602083.

Submission:

Myriad Genetics, Inc.
Classification: Pathogenic for Usher syndrome type 1F. Last evaluated: 2024-07-05. Review status: criteria provided, single submitter. Criteria: Myriad Autosomal Dominant, Autosomal Recessive and X-Linked Classification Criteria (2023). Collection method: clinical testing. Allele origin: unknown.
Comment: NM_033056.3(PCDH15):c.3144delT(A1049Pfs*9) is expected to be pathogenic in the context of PCDH15-related disorders. This variant is predicted to lead to an abnormal or absent protein product due to the creation of a premature termination codon in PCDH15, a gene where loss-of-function variants are known to be pathogenic. Please note: this variant was assessed in the context of healthy population screening.